The following is an entry in ClinVar:

NM_000071.3(CBS):c.532-1G>A

Gene: CBS (cystathionine beta-synthase; minus strand). Cytogenetic location: 21q22.3.
Variant type: single nucleotide variant.
Coding change: c.532-1G>A on transcript NM_000071.3 (MANE Select); the canonical splice acceptor site of the intron before coding-DNA position 532, G replaced by A.
Molecular consequence: splice acceptor variant.
Genome position (GRCh38, 1-based): chr21:43,065,522, C>T on the plus strand (G>A on the coding strand, the complement: CBS is on the minus strand). VCF-style: chr21-43065522-C-T. GRCh37 (hg19) VCF-style: chr21-44485632-C-T.
Other names: c.532-1G>A (NM_001320298.2, NM_001178009.3, NM_001178008.3); c.217-1G>A (NM_001321072.1).
Identifiers: ClinVar variation 1361476 (VCV001361476.6), dbSNP rs2146385603, ClinGen allele CA410601215.
Genomic context (GRCh38, chr21:43,065,522, plus strand): 5'-GAACCTGGCATTGGTGGGCGTCCTCACAATCTCAGCCCCCAGTGCCCGCAGCACGTCCAC[C>T]TGCAGGAGGGAAAGCGGTGGCCTGCACCTTCCGCCTGGCCCAGGCACCCTCATCCCCTGC-3'

ClinVar aggregate classification (germline): Pathogenic (1 of 4 stars; one submission).

Conditions:
HYPERHOMOCYSTEINEMIA, THROMBOTIC, CBS-RELATED. Identifiers: MedGen C3150344, OMIM 236200.

Submission:

Labcorp Genetics (formerly Invitae), Labcorp
Classification: Pathogenic for HYPERHOMOCYSTEINEMIA, THROMBOTIC, CBS-RELATED. Last evaluated: 2021-11-30. Review status: criteria provided, single submitter. Criteria: Invitae Variant Classification Sherloc (09022015). Collection method: clinical testing. Allele origin: germline.
Comment: This sequence change affects an acceptor splice site in intron 6 of the CBS gene. It is expected to disrupt RNA splicing. Variants that disrupt the donor or acceptor splice site typically lead to a loss of protein function (PMID: 16199547), and loss-of-function variants in CBS are known to be pathogenic (PMID: 10338090, 12124992). This variant is not present in population databases (gnomAD no frequency). Disruption of this splice site has been observed in individual(s) with clinical features of CBS deficiency (Invitae). In at least one individual the data is consistent with being in trans (on the opposite chromosome) from a pathogenic variant. Algorithms developed to predict the effect of sequence changes on RNA splicing suggest that this variant may disrupt the consensus splice site. For these reasons, this variant has been classified as Pathogenic.

Literature cited by the submitters: PubMed 16199547; PubMed 10338090; PubMed 12124992.